The following is an entry in ClinVar:

NM_003672.4(CDC14A):c.50-45T>C

Gene: CDC14A (cell division cycle 14A; plus strand). Cytogenetic location: 1p21.2.
Variant type: single nucleotide variant.
Coding change: c.50-45T>C on transcript NM_003672.4 (MANE Select); 45 bases into the intron before coding-DNA position 50, T replaced by C.
Molecular consequence: intron variant.
Genome position (GRCh38, 1-based): chr1:100,353,717, T>C. VCF-style: chr1-100353717-T-C. GRCh37 (hg19) VCF-style: chr1-100819273-T-C.
Other names: c.-125-45T>C (NM_001319211.2); c.50-45T>C (NM_001319210.2, NM_033312.3, NM_033313.3); c.-742-45T>C (NM_001319212.2).
Identifiers: ClinVar variation 682965 (VCV000682965.2), dbSNP rs2297170, ClinGen allele CA970418.
Genomic context (GRCh38, chr1:100,353,717, plus strand): 5'-TTAATGGGGTCTTTAAATTGTGATCCTTCGTATGTTACCACCCACCTTCACTTCCACTTC[T>C]CTACTTCTCATATGTTTTTTCTGTCTTTTAAACTTGTCTTTCAGATCGGTTATATTTTGC-3'

ClinVar aggregate classification (germline): Benign. Review status: criteria provided, multiple submitters, no conflicts (2 of 4 stars). 2 submissions from 2 submitters: Benign (2). Last evaluated 2018-06-14.

Allele frequency attached by ClinVar (database versions not stated): 1000 Genomes Project 0.17053; 1000 Genomes Project 30x 0.17317; gnomAD exomes 0.17374 and 0.18189; ExAC 0.19219; TOPMed 0.19354; gnomAD 0.19639 and 0.19987; ESP Exome Variant Server 0.20311.

Submissions (2):

GeneDx
Classification: Benign. Last evaluated: 2018-06-14. Review status: criteria provided, single submitter. Criteria: GeneDx Variant Classification (06012015). Collection method: clinical testing. Allele origin: germline. Affected: yes.
Comment: This variant is considered likely benign or benign based on one or more of the following criteria: it is a conservative change, it occurs at a poorly conserved position in the protein, it is predicted to be benign by multiple in silico algorithms, and/or has population frequency not consistent with disease.

Breakthrough Genomics
Classification: Benign. Review status: criteria provided, single submitter. Criteria: ACMG Guidelines, 2015. Collection method: not provided. Allele origin: germline. Inheritance: Autosomal recessive inheritance. Affected: yes.